The following is an entry in ClinVar:

ClinVar aggregate classification (germline): Uncertain significance (1 of 4 stars; one submission).

Conditions:
Combined immunodeficiency due to ORAI1 deficiency. Also called: IMMUNODEFICIENCY 9. Identifiers: Orphanet 169090, Orphanet 317428, MedGen C2748568, MONDO:0013007, OMIM 612782.
Myopathy, tubular aggregate, 2 (TAM2). Identifiers: MedGen C4014557, MONDO:0014383, OMIM 615883.

Submission:

Labcorp Genetics (formerly Invitae), Labcorp
Classification: Uncertain significance for Myopathy, tubular aggregate, 2; Combined immunodeficiency due to ORAI1 deficiency. Last evaluated: 2024-07-23. Review status: criteria provided, single submitter. Criteria: Invitae Variant Classification Sherloc (09022015). Collection method: clinical testing. Allele origin: germline.
Comment: This sequence change replaces alanine, which is neutral and non-polar, with glycine, which is neutral and non-polar, at codon 49 of the ORAI1 protein (p.Ala49Gly). This variant is not present in population databases (gnomAD no frequency). This variant has not been reported in the literature in individuals affected with ORAI1-related conditions. Experimental studies and prediction algorithms are not available or were not evaluated, and the functional significance of this variant is currently unknown. In summary, the available evidence is currently insufficient to determine the role of this variant in disease. Therefore, it has been classified as a Variant of Uncertain Significance.

NC_000012.12:g.121626893C>G

Genes: ORAI1 (ORAI calcium release-activated calcium modulator 1; plus strand), LOC130008987 (ATAC-STARR-seq lymphoblastoid silent region 4981; plus strand). Cytogenetic location: 12q24.31.
Variant type: single nucleotide variant.
Molecular consequence: non-coding transcript variant (on NR_186857.1).
Genome position: GRCh38 VCF-style: chr12-121626893-C-G. GRCh37 (hg19) VCF-style: chr12-122064799-C-G.
Identifiers: ClinVar variation 3756610 (VCV003756610.2).